The following is an entry in ClinVar:

ClinVar aggregate classification (germline): Uncertain significance (1 of 4 stars; one submission).

gnomAD v4.1: 7 of 1,614,016 alleles (0.00043%); highest among the groups gnomAD compares: Non-Finnish European, 0.00059%; 1 homozygote.

Submission:

Labcorp Genetics (formerly Invitae), Labcorp
Classification: Uncertain significance. Last evaluated: 2024-04-11. Review status: criteria provided, single submitter. Criteria: Invitae Variant Classification Sherloc (09022015). Collection method: clinical testing. Allele origin: germline.
Comment: This sequence change replaces alanine, which is neutral and non-polar, with glycine, which is neutral and non-polar, at codon 346 of the DBR1 protein (p.Ala346Gly). This variant is present in population databases (rs764230719, gnomAD 0.003%). This variant has not been reported in the literature in individuals affected with DBR1-related conditions. An algorithm developed to predict the effect of missense changes on protein structure and function (PolyPhen-2) suggests that this variant is likely to be tolerated. In summary, the available evidence is currently insufficient to determine the role of this variant in disease. Therefore, it has been classified as a Variant of Uncertain Significance.

NM_016216.4(DBR1):c.1037C>G (p.Ala346Gly)

Gene: DBR1 (debranching RNA lariats 1; minus strand). Cytogenetic location: 3q22.3.
Variant type: single nucleotide variant.
Coding change: c.1037C>G on transcript NM_016216.4 (MANE Select); coding-DNA position 1037, C replaced by G.
Protein change: p.Ala346Gly; replaces alanine 346 with glycine.
Molecular consequence: missense variant.
Genome position (GRCh38, 1-based): chr3:138,162,487, G>C on the plus strand (C>G on the coding strand, the complement: DBR1 is on the minus strand). VCF-style: chr3-138162487-G-C. GRCh37 (hg19) VCF-style: chr3-137881329-G-C.
Other names: short protein forms A346G.
Identifiers: ClinVar variation 3678974 (VCV003678974.2).